The following is an entry in ClinVar:

ClinVar aggregate classification (germline): Uncertain significance (1 of 4 stars; one submission).

Conditions:
Intellectual developmental disorder, autosomal dominant 1. Also called: Intellectual disability, autosomal dominant 1; MBD5 Haploinsufficiency. Identifiers: Orphanet 228402, MedGen C1969562, MONDO:0007974, OMIM 156200.

Submission:

Labcorp Genetics (formerly Invitae), Labcorp
Classification: Uncertain significance for Intellectual developmental disorder, autosomal dominant 1. Last evaluated: 2022-08-27. Review status: criteria provided, single submitter. Criteria: Invitae Variant Classification Sherloc (09022015). Collection method: clinical testing. Allele origin: germline.
Comment: In summary, the available evidence is currently insufficient to determine the role of this variant in disease. Therefore, it has been classified as a Variant of Uncertain Significance. Algorithms developed to predict the effect of missense changes on protein structure and function are either unavailable or do not agree on the potential impact of this missense change (SIFT: "Deleterious"; PolyPhen-2: "Possibly Damaging"; Align-GVGD: "Class C15"). This variant has not been reported in the literature in individuals affected with MBD5-related conditions. This variant is not present in population databases (gnomAD no frequency). This sequence change replaces aspartic acid, which is acidic and polar, with asparagine, which is neutral and polar, at codon 248 of the MBD5 protein (p.Asp248Asn).

NM_001378120.1(MBD5):c.742G>A (p.Asp248Asn)

Gene: MBD5 (methyl-CpG binding domain protein 5; plus strand). Cytogenetic location: 2q23.1.
Variant type: single nucleotide variant.
Coding change: c.742G>A on transcript NM_001378120.1 (MANE Select); coding-DNA position 742, G replaced by A.
Protein change: p.Asp248Asn; replaces aspartic acid 248 with asparagine.
Molecular consequence: missense variant.
Genome position (GRCh38, 1-based): chr2:148,468,685, G>A. VCF-style: chr2-148468685-G-A. GRCh37 (hg19) VCF-style: chr2-149226254-G-A.
Other names: c.742G>A, p.Asp248Asn (NM_018328.5); short protein forms D248N.
Identifiers: ClinVar variation 1903067 (VCV001903067.5), dbSNP rs753529014, ClinGen allele CA57577465.